The following is an entry in ClinVar:

NM_001009999.3(KDM1A):c.1276A>C (p.Asn426His)

Gene: KDM1A (lysine demethylase 1A; plus strand). Cytogenetic location: 1p36.12.
Variant type: single nucleotide variant.
Coding change: c.1276A>C on transcript NM_001009999.3 (MANE Select); coding-DNA position 1276, A replaced by C.
Protein change: p.Asn426His; replaces asparagine 426 with histidine.
Molecular consequence: missense variant.
Genome position (GRCh38, 1-based): chr1:23,068,635, A>C. VCF-style: chr1-23068635-A-C. GRCh37 (hg19) VCF-style: chr1-23395128-A-C.
Other names: c.1204A>C, p.Asn402His (NM_001363654.2, NM_001410763.1, NM_015013.4); c.1264A>C, p.Asn422His (NM_001410762.1); short protein forms N402H, N422H, N426H.
Identifiers: ClinVar variation 4091043 (VCV004091043.1).

ClinVar aggregate classification (germline): Uncertain significance (1 of 4 stars; one submission).

Conditions:
Inborn genetic diseases. Identifiers: MedGen C0950123, MeSH D030342.

gnomAD v4.1: 1 of 1,603,782 alleles (0.000062%); highest among the groups gnomAD compares: East Asian, 0.0023%; no homozygotes.

Submission:

Ambry Genetics
Classification: Uncertain significance for Inborn genetic diseases. Last evaluated: 2025-07-03. Review status: criteria provided, single submitter. Criteria: Ambry Variant Classification Scheme 2023. Collection method: clinical testing. Allele origin: germline.
Comment: The p.N426H variant (also known as c.1276A>C), located in coding exon 11 of the KDM1A gene, results from an A to C substitution at nucleotide position 1276. The asparagine at codon 426 is replaced by histidine, an amino acid with similar properties. This amino acid position is conserved. In addition, the in silico prediction for this alteration is inconclusive. Based on the available evidence, the clinical significance of this variant remains unclear.